The following is an entry in ClinVar:

ClinVar aggregate classification (germline): Likely pathogenic (1 of 4 stars; one submission).

Conditions:
MED13L-related disorder. Also called: MED13L-related condition.

Submission:

PreventionGenetics, part of Exact Sciences
Classification: Likely pathogenic for MED13L-related condition. Last evaluated: 2025-09-25. Review status: criteria provided, single submitter. Criteria: ACMG Guidelines, 2015. Collection method: clinical testing. Allele origin: germline.
Comment: The MED13L c.1721dupC variant is predicted to result in a frameshift and premature protein termination (p.Ser575Ilefs*23). To our knowledge, this variant has not been reported in the literature or in a large population database (gnomAD), indicating this variant is rare. Frameshift variants in MED13L are expected to be pathogenic. This variant is interpreted as likely pathogenic.

NM_015335.5(MED13L):c.1721dup (p.Ser575fs)

Gene: MED13L (mediator complex subunit 13L; minus strand). Cytogenetic location: 12q24.21.
Variant type: Duplication.
Coding change: c.1721dup on transcript NM_015335.5 (MANE Select); coding-DNA position 1721, one base duplicated (C; older notation c.1721dupC).
Protein change: p.Ser575fs; shifts the reading frame from serine 575.
Molecular consequence: frameshift variant.
Genome position (GRCh38, 1-based): chr12:116,008,692, G duplicated on the plus strand (C on the coding strand, the reverse complement: MED13L is on the minus strand); the first of 2 consecutive G bases (chr12:116,008,692-116,008,693); duplicating either gives the same sequence. VCF-style (leftmost placement, unchanged base first): chr12-116008691-T-TG. GRCh37 (hg19) VCF-style: chr12-116446496-T-TG.
Other names: short protein forms S575fs.
Identifiers: ClinVar variation 4991147 (VCV004991147.1).